The following is an entry in ClinVar:

ClinVar aggregate classification (germline): Benign/Likely benign. Review status: criteria provided, multiple submitters, no conflicts (2 of 4 stars). 3 submissions from 3 submitters: Benign (1); Likely benign (2). Last evaluated 2025-09-07.

Allele frequency attached by ClinVar (database versions not stated): ExAC 0.00003; gnomAD exomes 0.00004 and 0.00006; TOPMed 0.00005; gnomAD 0.00007.
gnomAD v4.1: 81 of 1,613,758 alleles (0.005%); highest among the groups gnomAD compares: Middle Eastern, 0.049%; no homozygotes.

Submissions (3):

Labcorp Genetics (formerly Invitae), Labcorp
Classification: Likely benign. Last evaluated: 2025-09-07. Review status: criteria provided, single submitter. Criteria: Invitae Variant Classification Sherloc (09022015). Collection method: clinical testing. Allele origin: germline.

Women's Health and Genetics/Laboratory Corporation of America, LabCorp
Classification: Benign. Last evaluated: 2019-12-09. Review status: criteria provided, single submitter. Criteria: LabCorp Variant Classification Summary - May 2015. Collection method: clinical testing. Allele origin: germline.
Comment: Variant summary: A2ML1 c.1477-13T>C alters a nucleotide located close to a canonical splice site and therefore could affect mRNA splicing, leading to a significantly altered protein sequence. 5/5 computational tools predict no significant impact on normal splicing. However, these predictions have yet to be confirmed by functional studies. The variant allele was found at a frequency of 6e-05 in 249256 control chromosomes (gnomAD). The observed variant frequency is approximately 15-folds higher than the estimated maximal expected allele frequency for a pathogenic variant in A2ML1 causing Noonan Syndrome phenotype (4e-06), strongly suggesting that the variant is benign. To our knowledge, no occurrence of c.1477-13T>C in individuals affected with Noonan Syndrome and no experimental evidence demonstrating its impact on protein function have been reported. A ClinVar submission (evaluation after 2014) cites the variant as likely benign. Based on the evidence outlined above, the variant was classified as benign.

GeneDx
Classification: Likely benign. Last evaluated: 2017-07-10. Review status: criteria provided, single submitter. Criteria: GeneDx Variant Classification (06012015). Collection method: clinical testing. Allele origin: germline. Affected: yes.
Comment: This variant is considered likely benign or benign based on one or more of the following criteria: it is a conservative change, it occurs at a poorly conserved position in the protein, it is predicted to be benign by multiple in silico algorithms, and/or has population frequency not consistent with disease.

NM_144670.6(A2ML1):c.1477-13T>C

Gene: A2ML1 (alpha-2-macroglobulin like 1; plus strand). Cytogenetic location: 12p13.31.
Variant type: single nucleotide variant.
Coding change: c.1477-13T>C on transcript NM_144670.6 (MANE Select); 13 bases into the intron before coding-DNA position 1477, T replaced by C.
Molecular consequence: intron variant.
Genome position (GRCh38, 1-based): chr12:8,845,429, T>C. VCF-style: chr12-8845429-T-C. GRCh37 (hg19) VCF-style: chr12-8998025-T-C.
Other names: c.4-13T>C (NM_001282424.3).
Identifiers: ClinVar variation 510726 (VCV000510726.9), dbSNP rs778863549, ClinGen allele CA6435706.